The following is an entry in ClinVar:

ClinVar aggregate classification (germline): Uncertain significance (1 of 4 stars; one submission).

Submission:

Women's Health and Genetics/Laboratory Corporation of America, LabCorp
Classification: Uncertain significance. Last evaluated: 2022-06-06. Review status: criteria provided, single submitter. Criteria: LabCorp Variant Classification Summary - May 2015. Collection method: clinical testing. Allele origin: germline.
Comment: Variant summary: ATM c.7175delinsTCATTGA (p.Arg2392delinsLeuIleGlu) results in an in-frame deletion-insertion that is predicted to delete one amino acid and insert three amino acids from the protein. The variant was absent in 282710 control chromosomes (gnomAD). To our knowledge, no occurrence of c.7175delinsTCATTGA in individuals affected with Ataxia-Telangiectasia and no experimental evidence demonstrating its impact on protein function have been reported. No clinical diagnostic laboratories have submitted clinical-significance assessments for this variant to ClinVar after 2014. Based on the evidence outlined above, the variant was classified as uncertain significance.

NM_000051.4(ATM):c.7175delinsTCATTGA (p.Arg2392delinsLeuIleGlu)

Genes: ATM (ATM serine/threonine kinase; plus strand), C11orf65 (chromosome 11 open reading frame 65; minus strand). Cytogenetic location: 11q22.3.
Variant type: Indel.
Coding change: c.7175delinsTCATTGA on transcript NM_000051.4 (MANE Select); coding-DNA position 7175, G replaced by TCATTGA.
Protein change: p.Arg2392delinsLeuIleGlu.
Molecular consequence: inframe indel. On other transcripts: intron variant (2).
Genome position (GRCh38, 1-based): chr11:108,329,106, G replaced by TCATTGA. VCF-style: chr11-108329106-G-TCATTGA. GRCh37 (hg19) VCF-style: chr11-108199833-G-TCATTGA.
Other names: c.641-20035delinsTCAATGA (NM_001330368.2); c.*38+6114delinsTCAATGA (NM_001351110.2); c.7175delGinsTCATTGA, p.Arg2392delinsLeuIleGlu (NM_000051.3); c.7175delinsTCATTGA, p.Arg2392delinsLeuIleGlu (NM_001351834.2).
Identifiers: ClinVar variation 1698480 (VCV001698480.1), dbSNP rs2136415518, ClinGen allele CA2580083305.
Genomic context (GRCh38, chr11:108,329,106, plus strand): 5'-ATGGAGAAAGTAGTGATGAGCTAAGAAATGGAAAAATGAAGGCATTTCTCTCATTAGCCC[G>TCATTGA]GTTTTCAGATACTCAATACCAAAGAATTGAAAACTACATGAAATCATCGGAATTTGAAAA-3'